The following is an entry in ClinVar:

ClinVar aggregate classification (germline): Likely pathogenic (1 of 4 stars; one submission).

Submission:

Labcorp Genetics (formerly Invitae), Labcorp
Classification: Likely pathogenic. Last evaluated: 2017-08-23. Review status: criteria provided, single submitter. Criteria: Invitae Variant Classification Sherloc (09022015). Collection method: clinical testing. Allele origin: germline.
Comment: This sequence change affects a donor splice site in intron 15 of the PLD1 gene. It is expected to disrupt RNA splicing and likely results in an absent or disrupted protein product. This variant is not present in population databases (ExAC no frequency). This variant has not been reported in the literature in individuals with PLD1-related disease. Donor and acceptor splice site variants typically lead to a loss of protein function (PMID: 16199547), and loss-of-function variants in PLD1 are known to be pathogenic (PMID: 27799408). In summary, the currently available evidence indicates that the variant is pathogenic, but additional data are needed to prove that conclusively. Therefore, this variant has been classified as Likely Pathogenic.

Literature cited by the submitters: PubMed 16199547; PubMed 27799408.

NM_002662.5(PLD1):c.1753+1G>A

Gene: PLD1 (phospholipase D1; minus strand). Cytogenetic location: 3q26.31.
Variant type: single nucleotide variant.
Coding change: c.1753+1G>A on transcript NM_002662.5 (MANE Select); the canonical splice donor site of the intron after coding-DNA position 1753, G replaced by A.
Molecular consequence: splice donor variant.
Genome position (GRCh38, 1-based): chr3:171,687,370, C>T on the plus strand (G>A on the coding strand, the complement: PLD1 is on the minus strand). VCF-style: chr3-171687370-C-T. GRCh37 (hg19) VCF-style: chr3-171405160-C-T.
Other names: c.1753+1G>A (NM_001130081.3).
Identifiers: ClinVar variation 1067422 (VCV001067422.2), dbSNP rs2108509028, ClinGen allele CA355498710.